The following is an entry in ClinVar:

ClinVar aggregate classification (germline): Uncertain significance. Review status: criteria provided, multiple submitters, no conflicts (2 of 4 stars). 2 submissions from 2 submitters: Uncertain significance (2). Last evaluated 2025-07-06.

Conditions:
Cardiovascular phenotype. Identifiers: MedGen CN230736.

Allele frequency attached by ClinVar (database versions not stated): gnomAD exomes below 0.00001; TOPMed below 0.00001; gnomAD 0.00001.
gnomAD v4.1: 5 of 1,613,954 alleles (0.00031%); highest among the groups gnomAD compares: Non-Finnish European, 0.00042%; no homozygotes.

Submissions (2):

Ambry Genetics
Classification: Uncertain significance for Cardiovascular phenotype. Last evaluated: 2025-07-06. Review status: criteria provided, single submitter. Criteria: Ambry Variant Classification Scheme 2023. Collection method: clinical testing. Allele origin: germline.
Comment: The p.D105H variant (also known as c.313G>C), located in coding exon 4 of the TNNC1 gene, results from a G to C substitution at nucleotide position 313. The aspartic acid at codon 105 is replaced by histidine, an amino acid with similar properties. This amino acid position is conserved. In addition, this alteration is predicted to be deleterious by in silico analysis. Based on the available evidence, the clinical significance of this variant remains unclear.

AiLife Diagnostics
Classification: Uncertain significance. Last evaluated: 2022-03-15. Review status: criteria provided, single submitter. Criteria: ACMG Guidelines, 2015. Collection method: clinical testing. Allele origin: germline. Affected: yes. Observed: 1 variant allele.

NM_003280.3(TNNC1):c.313G>C (p.Asp105His)

Gene: TNNC1 (troponin C1, slow skeletal and cardiac type; minus strand). Cytogenetic location: 3p21.1.
Variant type: single nucleotide variant.
Coding change: c.313G>C on transcript NM_003280.3 (MANE Select); coding-DNA position 313, G replaced by C.
Protein change: p.Asp105His; replaces aspartic acid 105 with histidine.
Molecular consequence: missense variant.
Genome position (GRCh38, 1-based): chr3:52,451,748, C>G on the plus strand (G>C on the coding strand, the complement: TNNC1 is on the minus strand). VCF-style: chr3-52451748-C-G. GRCh37 (hg19) VCF-style: chr3-52485764-C-G.
Other names: c.313G>C (NM_003280.2); short protein forms D105H.
Identifiers: ClinVar variation 1678029 (VCV001678029.2), dbSNP rs1706330427, ClinGen allele CA353166890.